The following is an entry in ClinVar:

ClinVar aggregate classification (germline): Uncertain significance (1 of 4 stars; one submission).

gnomAD v4.1: 1 of 1,614,020 alleles (0.000062%); highest among the groups gnomAD compares: Non-Finnish European, 0.000085%; no homozygotes.

Submission:

Ambry Genetics
Classification: Uncertain significance. Last evaluated: 2026-06-16. Review status: criteria provided, single submitter. Criteria: Ambry Variant Classification Scheme 2023. Collection method: clinical testing. Allele origin: germline.
Comment: The p.P649H variant (also known as c.1946C>A), located in coding exon 19 of the SRP72 gene, results from a C to A substitution at nucleotide position 1946. The proline at codon 649 is replaced by histidine, an amino acid with similar properties. This amino acid position is conserved. In addition, the in silico prediction for this alteration is inconclusive. Based on the available evidence, the clinical significance of this variant remains unclear.

NM_006947.4(SRP72):c.1946C>A (p.Pro649His)

Gene: SRP72 (signal recognition particle 72; plus strand). Cytogenetic location: 4q12.
Variant type: single nucleotide variant.
Coding change: c.1946C>A on transcript NM_006947.4 (MANE Select); coding-DNA position 1946, C replaced by A.
Protein change: p.Pro649His; replaces proline 649 with histidine.
Molecular consequence: missense variant. On other transcripts: non-coding transcript variant (1).
Genome position (GRCh38, 1-based): chr4:56,501,791, C>A. VCF-style: chr4-56501791-C-A. GRCh37 (hg19) VCF-style: chr4-57367957-C-A.
Other names: c.1763C>A, p.Pro588His (NM_001267722.2); short protein forms P588H, P649H.
Identifiers: ClinVar variation 5030213 (VCV005030213.1).